The following is an entry in ClinVar:

NM_000059.4(BRCA2):c.4257del (p.Asp1420fs)

Gene: BRCA2 (BRCA2 DNA repair associated; plus strand). Cytogenetic location: 13q13.1.
Variant type: Deletion.
Coding change: c.4257del on transcript NM_000059.4 (MANE Select); coding-DNA position 4257, one base deleted (A; older notation c.4257delA).
Protein change: p.Asp1420fs; shifts the reading frame from aspartic acid 1420.
Molecular consequence: frameshift variant.
Genome position (GRCh38, 1-based): chr13:32,338,612, A deleted; the last of 4 consecutive A bases (chr13:32,338,609-32,338,612); deleting any one gives the same sequence. VCF-style (leftmost placement, unchanged base first): chr13-32338608-TA-T. GRCh37 (hg19) VCF-style: chr13-32912745-TA-T.
Other names: c.4257del (NM_000059.3); short protein forms D1420fs.
Identifiers: ClinVar variation 1330971 (VCV001330971.15), dbSNP rs1566229958, ClinGen allele CA2573053810.

ClinVar aggregate classification (germline): Pathogenic/Likely pathogenic. Review status: criteria provided, multiple submitters, no conflicts (2 of 4 stars). 5 submissions from 5 submitters: Pathogenic (4); Likely pathogenic (1). Last evaluated 2024-05-02.

Conditions:
Hereditary cancer-predisposing syndrome. Also called: Tumor predisposition; Hereditary Cancer Syndrome; Neoplastic Syndromes, Hereditary; Hereditary neoplastic syndrome. Identifiers: Orphanet 140162, MedGen C0027672, MeSH D009386, MONDO:0015356.
Hereditary breast ovarian cancer syndrome. Also called: Hereditary breast and ovarian cancer syndrome; Hereditary breast and ovarian cancer; Hereditary breast and ovarian cancer syndrome (HBOC); Hereditary breast and/or ovarian cancer syndrome; Breast and ovarian cancer; BRCA1- and BRCA2-Associated Hereditary Breast and Ovarian Cancer. Identifiers: Orphanet 145, MedGen C0677776, MeSH D061325, MONDO:0003582. Disease mechanism: loss of function.
Familial cancer of breast. Also called: BREAST CANCER, FAMILIAL; hereditary breast carcinoma; Hereditary breast cancer. Identifiers: Orphanet 227535, MedGen C0346153, MONDO:0016419, OMIM 114480. Disease mechanism: loss of function.

Submissions (5):

Labcorp Genetics (formerly Invitae), Labcorp
Classification: Pathogenic for Hereditary breast ovarian cancer syndrome. Last evaluated: 2024-05-02. Review status: criteria provided, single submitter. Criteria: Invitae Variant Classification Sherloc (09022015). Collection method: clinical testing. Allele origin: germline.
Comment: This sequence change creates a premature translational stop signal (p.Asp1420Ilefs*28) in the BRCA2 gene. It is expected to result in an absent or disrupted protein product. Loss-of-function variants in BRCA2 are known to be pathogenic (PMID: 20104584). This variant is not present in population databases (gnomAD no frequency). This premature translational stop signal has been observed in individual(s) with breast cancer (PMID: 33893315). ClinVar contains an entry for this variant (Variation ID: 1330971). For these reasons, this variant has been classified as Pathogenic.

Quest Diagnostics Nichols Institute San Juan Capistrano
Classification: Pathogenic. Last evaluated: 2022-10-18. Review status: criteria provided, single submitter. Criteria: Quest Diagnostics criteria. Collection method: clinical testing. Allele origin: unknown.
Comment: This frameshift variant alters the translational reading frame of the BRCA2 mRNA and causes the premature termination of BRCA2 protein synthesis. The frequency of this variant in the general population, 0.0000082 (2/244196 chromosomes), is consistent with pathogenicity. In the published literature, the variant has been reported in individuals with breast cancer (PMID: 33893315 (2021), 33471991 (2021))). Based on the available information, this variant is classified as pathogenic.

Baylor Genetics
Classification: Likely pathogenic for Familial cancer of breast. Last evaluated: 2021-12-29. Review status: criteria provided, single submitter. Criteria: ACMG Guidelines, 2015. Collection method: clinical testing. Allele origin: unknown.

ARUP Laboratories, Molecular Genetics and Genomics, ARUP Laboratories
Classification: Pathogenic. Last evaluated: 2021-09-27. Review status: criteria provided, single submitter. Criteria: ARUP Molecular Germline Variant Investigation Process 2021. Collection method: clinical testing. Allele origin: germline.
Comment: The BRCA2 c.4257delA; p.Asp1420IlefsTer28 variant, to our knowledge, is not reported in the medical literature or gene specific databases. This variant is also absent from the Genome Aggregation Database, indicating it is not a common polymorphism. This variant causes a frameshift by deleting a single nucleotide, so it is predicted to result in a truncated protein or mRNA subject to nonsense-mediated decay. Additionally, several downstream truncating variants, including one at the same codon, have been described in individuals with breast cancer and are considered pathogenic (Hakansson 1997, Janavicius 2010, Winter 2016). Based on available information, this variant is considered to be pathogenic. References: Hakansson S et al. Moderate frequency of BRCA1 and BRCA2 germ-line mutations in Scandinavian familial breast cancer. Am J Hum Genet. 1997 May;60(5):1068-78. PMID: 9150154. Janavicius R. Founder BRCA1/2 mutations in the Europe: implications for hereditary breast-ovarian cancer prevention and control. EPMA J. 2010 Sep;1(3):397-412. PMID: 23199084. Winter C et al. Targeted sequencing of BRCA1 and BRCA2 across a large unselected breast cancer cohort suggests that one-third of mutations are somatic. Ann Oncol. 2016 Aug;27(8):1532-8. PMID: 27194814.

Ambry Genetics
Classification: Pathogenic for Hereditary cancer-predisposing syndrome. Last evaluated: 2021-08-23. Review status: criteria provided, single submitter. Criteria: Ambry Variant Classification Scheme 2023. Collection method: clinical testing. Allele origin: germline.
Comment: The c.4257delA pathogenic mutation, located in coding exon 10 of the BRCA2 gene, results from a deletion of one nucleotide at nucleotide position 4257, causing a translational frameshift with a predicted alternate stop codon (p.D1420Ifs*28). This variant was reported in 1/60,466 breast cancer cases and in 0/53,461 controls (Dorling et al. N Engl J Med. 2021 02;384:428-439). This variant is considered to be rare based on population cohorts in the Genome Aggregation Database (gnomAD). In addition to the clinical data presented in the literature, this alteration is expected to result in loss of function by premature protein truncation or nonsense-mediated mRNA decay. As such, this alteration is interpreted as a disease-causing mutation.

Literature cited by the submitters: PubMed 20104584 (cited by Labcorp Genetics (formerly Invitae), Labcorp); PubMed 33893315 (cited by Labcorp Genetics (formerly Invitae), Labcorp and Quest Diagnostics Nichols Institute San Juan Capistrano); PubMed 33471991 (cited by Quest Diagnostics Nichols Institute San Juan Capistrano and Ambry Genetics).